The following is an entry in ClinVar:

ClinVar aggregate classification (germline): Pathogenic (0 of 4 stars; one submission).

Conditions:
von Willebrand disease type 3 (VWD3). Also called: Type 3 Von Willebrand's disease; Type 3 VWD; Von Willebrand disease, severe form; V WD3; VON WILLEBRAND DISEASE, TYPE III. Identifiers: Orphanet 166096, MedGen C1264041, MONDO:0010191, OMIM 277480.

Submission:

Angelo Bianchi Bonomi Hemophilia and Thrombosis Center, Fondazione IRCCS Ca Granda Ospedale Maggiore Policlinico
Classification: Pathogenic for von Willebrand disease type 3. Last evaluated: 2021-04-12. Review status: no assertion criteria provided. Collection method: clinical testing. Allele origin: germline. Affected: yes. Study: Type 3 Von Willebrand International Registries Inhibitor Prospective Study (3WINTERS-IPS).
Comment: CNV Interpretation Scoring Rubric: Copy Number LOSS

NC_000012.11:g.(6153618_6155888)_(6155984_6161708)del

Gene: VWF (von Willebrand factor; minus strand). Cytogenetic location: 12p13.31.
Variant type: Deletion.
Identifiers: ClinVar variation 1065234 (VCV001065234.3).